The following is an entry in ClinVar:

NM_002691.4(POLD1):c.199G>A (p.Asp67Asn)

Gene: POLD1 (DNA polymerase delta 1, catalytic subunit; plus strand). Cytogenetic location: 19q13.33.
Variant type: single nucleotide variant.
Coding change: c.199G>A on transcript NM_002691.4 (MANE Select); coding-DNA position 199, G replaced by A.
Protein change: p.Asp67Asn; replaces aspartic acid 67 with asparagine.
Molecular consequence: missense variant. On other transcripts: non-coding transcript variant (1).
Genome position (GRCh38, 1-based): chr19:50,399,050, G>A. VCF-style: chr19-50399050-G-A. GRCh37 (hg19) VCF-style: chr19-50902307-G-A.
Other names: c.199G>A, p.Asp67Asn (NM_001256849.1, NM_001308632.1); short protein forms D67N.
Identifiers: ClinVar variation 3643259 (VCV003643259.2).

ClinVar aggregate classification (germline): Uncertain significance (1 of 4 stars; one submission).

Conditions:
POLD1-related polyposis and colorectal cancer syndrome (CRCS10). Also called: Colorectal cancer 10; COLORECTAL CANCER, SUSCEPTIBILITY TO, ON CHROMOSOME 19q; Colorectal cancer, susceptibility to, 10. Identifiers: Orphanet 220460, MedGen C2675481, MONDO:0012953, OMIM 612591.

Submission:

Labcorp Genetics (formerly Invitae), Labcorp
Classification: Uncertain significance for POLD1-related polyposis and colorectal cancer syndrome. Last evaluated: 2024-08-14. Review status: criteria provided, single submitter. Criteria: Invitae Variant Classification Sherloc (09022015). Collection method: clinical testing. Allele origin: germline.
Comment: This sequence change replaces aspartic acid, which is acidic and polar, with asparagine, which is neutral and polar, at codon 67 of the POLD1 protein (p.Asp67Asn). This variant is not present in population databases (gnomAD no frequency). This variant has not been reported in the literature in individuals affected with POLD1-related conditions. Invitae Evidence Modeling of protein sequence and biophysical properties (such as structural, functional, and spatial information, amino acid conservation, physicochemical variation, residue mobility, and thermodynamic stability) indicates that this missense variant is not expected to disrupt POLD1 protein function with a negative predictive value of 80%. In summary, the available evidence is currently insufficient to determine the role of this variant in disease. Therefore, it has been classified as a Variant of Uncertain Significance.